The following is an entry in ClinVar:

ClinVar aggregate classification (germline): Benign (1 of 4 stars; one submission).

Submission:

CeGaT Center for Human Genetics Tuebingen
Classification: Benign. Last evaluated: 2022-08-01. Review status: criteria provided, single submitter. Criteria: CeGaT Center For Human Genetics Tuebingen Variant Classification Criteria Version 2. Collection method: clinical testing. Allele origin: germline. Affected: yes. Observed: 1 variant allele.
Comment: PRKG1: BS1, BS2

NM_006258.4(PRKG1):c.762+1165_762+1166insATATATATATATATATTTTTT

Gene: PRKG1 (protein kinase cGMP-dependent 1; plus strand). Cytogenetic location: 10q21.1.
Variant type: Microsatellite.
Coding change: c.762+1165_762+1166insATATATATATATATATTTTTT on transcript NM_006258.4 (MANE Select); bases 1165 to 1166 of the intron after coding-DNA position 762, ATATATATATATATATTTTTT inserted.
Molecular consequence: intron variant.
Genome position: GRCh38 VCF-style: chr10-51908734-A-ATATATATATATATATATTTTT. GRCh37 (hg19) VCF-style: chr10-53668494-A-ATATATATATATATATATTTTT.
Other names: c.717+1165_717+1166insATATATATATATATATTTTTT (NM_001098512.3); c.762+1165_762+1166insATATATATATATATATTTTTT (NM_001374782.1).
Identifiers: ClinVar variation 2640471 (VCV002640471.24), dbSNP rs563212069.